The following is an entry in ClinVar:

ClinVar aggregate classification (germline): Uncertain significance. Review status: criteria provided, multiple submitters, no conflicts (2 of 4 stars). 2 submissions from 2 submitters: Uncertain significance (2). Last evaluated 2025-02-26.

Conditions:
Hereditary cancer-predisposing syndrome. Also called: Hereditary Cancer Syndrome; Hereditary neoplastic syndrome; Neoplastic Syndromes, Hereditary; Tumor predisposition. Identifiers: Orphanet 140162, MedGen C0027672, MeSH D009386, MONDO:0015356.
Familial cancer of breast. Also called: BREAST CANCER, FAMILIAL; Hereditary breast cancer; hereditary breast carcinoma. Identifiers: Orphanet 227535, MedGen C0346153, MONDO:0016419, OMIM 114480. Disease mechanism: loss of function.

Submissions (2):

Ambry Genetics
Classification: Uncertain significance for Hereditary cancer-predisposing syndrome. Last evaluated: 2025-02-26. Review status: criteria provided, single submitter. Criteria: Ambry Variant Classification Scheme 2023. Collection method: clinical testing. Allele origin: germline.
Comment: The p.L466S variant (also known as c.1397T>C), located in coding exon 12 of the CHEK2 gene, results from a T to C substitution at nucleotide position 1397. The leucine at codon 466 is replaced by serine, an amino acid with dissimilar properties. This amino acid position is highly conserved in available vertebrate species. In addition, this alteration is predicted to be deleterious by in silico analysis. Since supporting evidence is limited at this time, the clinical significance of this alteration remains unclear.

Labcorp Genetics (formerly Invitae), Labcorp
Classification: Uncertain significance for Familial cancer of breast. Last evaluated: 2024-10-15. Review status: criteria provided, single submitter. Criteria: Invitae Variant Classification Sherloc (09022015). Collection method: clinical testing. Allele origin: germline.
Comment: This sequence change replaces leucine, which is neutral and non-polar, with serine, which is neutral and polar, at codon 466 of the CHEK2 protein (p.Leu466Ser). This variant is not present in population databases (gnomAD no frequency). This missense change has been observed in individual(s) with breast cancer (PMID: 30303537). ClinVar contains an entry for this variant (Variation ID: 1771664). An algorithm developed to predict the effect of missense changes on protein structure and function (PolyPhen-2) suggests that this variant is likely to be disruptive. In summary, the available evidence is currently insufficient to determine the role of this variant in disease. Therefore, it has been classified as a Variant of Uncertain Significance.

Literature cited by the submitters: PubMed 30303537 (cited by Labcorp Genetics (formerly Invitae), Labcorp).

NM_007194.4(CHEK2):c.1397T>C (p.Leu466Ser)

Gene: CHEK2 (checkpoint kinase 2; minus strand). Cytogenetic location: 22q12.1.
Variant type: single nucleotide variant.
Coding change: c.1397T>C on transcript NM_007194.4 (MANE Select); coding-DNA position 1397, T replaced by C.
Protein change: p.Leu466Ser; replaces leucine 466 with serine.
Molecular consequence: missense variant.
Genome position (GRCh38, 1-based): chr22:28,694,096, A>G on the plus strand (T>C on the coding strand, the complement: CHEK2 is on the minus strand). VCF-style: chr22-28694096-A-G. GRCh37 (hg19) VCF-style: chr22-29090084-A-G.
Other names: c.1526T>C, p.Leu509Ser (NM_001005735.3); c.734T>C, p.Leu245Ser (NM_001257387.3); c.1196T>C, p.Leu399Ser (NM_001349956.3); c.1310T>C, p.Leu437Ser (NM_145862.3); short protein forms L509S, L399S, L466S, L245S, L437S.
Identifiers: ClinVar variation 1771664 (VCV001771664.5), dbSNP rs1601716482, ClinGen allele CA411094421.